The following is an entry in ClinVar:

NM_017433.5(MYO3A):c.1499C>T (p.Ala500Val)

Gene: MYO3A (myosin IIIA; plus strand). Cytogenetic location: 10p12.1.
Variant type: single nucleotide variant.
Coding change: c.1499C>T on transcript NM_017433.5 (MANE Select); coding-DNA position 1499, C replaced by T.
Protein change: p.Ala500Val; replaces alanine 500 with valine.
Molecular consequence: missense variant.
Genome position (GRCh38, 1-based): chr10:26,088,342, C>T. VCF-style: chr10-26088342-C-T. GRCh37 (hg19) VCF-style: chr10-26377271-C-T.
Other names: short protein forms A500V.
Identifiers: ClinVar variation 1196407 (VCV001196407.15), dbSNP rs138526349, ClinGen allele CA5444678.

ClinVar aggregate classification (germline): Uncertain significance. Review status: criteria provided, multiple submitters, no conflicts (2 of 4 stars). 5 submissions from 5 submitters: Uncertain significance (5). Last evaluated 2026-07-26.

Conditions:
MYO3A-related disorder. Also called: MYO3A-related condition.
Inborn genetic diseases. Identifiers: MedGen C0950123, MeSH D030342.

Allele frequency attached by ClinVar (database versions not stated): gnomAD exomes 0.00004 and 0.00009; ExAC 0.00012; gnomAD 0.00016 and 0.00018; TOPMed 0.00022; ESP Exome Variant Server 0.00023.
gnomAD v4.1: 97 of 1,613,828 alleles (0.006%); highest among the groups gnomAD compares: African/African-American, 0.073%; no homozygotes.

Submissions (5):

GeneDx
Classification: Uncertain significance. Last evaluated: 2026-07-26. Review status: criteria provided, single submitter. Criteria: GeneDx Variant Classification Process June 2021. Collection method: clinical testing. Allele origin: germline.
Comment: In silico analysis suggests that this missense variant does not alter protein structure/function; Has not been previously published as pathogenic or benign to our knowledge

PreventionGenetics, part of Exact Sciences
Classification: Uncertain significance for MYO3A-related condition. Last evaluated: 2026-01-23. Review status: criteria provided, single submitter. Criteria: ACMG Guidelines, 2015. Collection method: clinical testing. Allele origin: germline.
Comment: The MYO3A c.1499C>T variant is predicted to result in the amino acid substitution p.Ala500Val. To our knowledge, this variant has not been reported in the literature. This variant is reported in 0.060% of alleles in individuals of African descent in gnomAD. Although we suspect that this variant may be benign, at this time, the clinical significance of this variant is uncertain due to the absence of conclusive functional and genetic evidence.

Ambry Genetics
Classification: Uncertain significance for Inborn genetic diseases. Last evaluated: 2025-06-13. Review status: criteria provided, single submitter. Criteria: Ambry Variant Classification Scheme 2023. Collection method: clinical testing. Allele origin: germline.

Women's Health and Genetics/Laboratory Corporation of America, LabCorp
Classification: Uncertain significance. Last evaluated: 2025-03-21. Review status: criteria provided, single submitter. Criteria: LabCorp Variant Classification Summary - May 2015. Collection method: clinical testing. Allele origin: germline.
Comment: Variant summary: MYO3A c.1499C>T (p.Ala500Val) results in a non-conservative amino acid change located in the Myosin head, motor domain (IPR001609) of the encoded protein sequence. Two of four in-silico tools predict a benign effect of the variant on protein function. The variant allele was found at a frequency of 6e-05 in 1606858 control chromosomes in the gnomAD database (v4.1 dataset). This frequency is not significantly higher than estimated for a pathogenic variant in MYO3A causing Autosomal Recessive Nonsyndromic Hearing Loss 30, allowing no conclusion about variant significance. To our knowledge, no occurrence of c.1499C>T in individuals affected with Autosomal Recessive Nonsyndromic Hearing Loss 30 and no experimental evidence demonstrating its impact on protein function have been reported. ClinVar contains an entry for this variant (Variation ID: 1196407). Based on the evidence outlined above, the variant was classified as uncertain significance.

Labcorp Genetics (formerly Invitae), Labcorp
Classification: Uncertain significance. Last evaluated: 2024-06-16. Review status: criteria provided, single submitter. Criteria: Invitae Variant Classification Sherloc (09022015). Collection method: clinical testing. Allele origin: germline.
Comment: This sequence change replaces alanine, which is neutral and non-polar, with valine, which is neutral and non-polar, at codon 500 of the MYO3A protein (p.Ala500Val). This variant is present in population databases (rs138526349, gnomAD 0.05%). This variant has not been reported in the literature in individuals affected with MYO3A-related conditions. ClinVar contains an entry for this variant (Variation ID: 1196407). Advanced modeling of protein sequence and biophysical properties (such as structural, functional, and spatial information, amino acid conservation, physicochemical variation, residue mobility, and thermodynamic stability) performed at Invitae indicates that this missense variant is not expected to disrupt MYO3A protein function with a negative predictive value of 80%. In summary, the available evidence is currently insufficient to determine the role of this variant in disease. Therefore, it has been classified as a Variant of Uncertain Significance.